The following is an entry in ClinVar:

ClinVar aggregate classification (germline): Pathogenic. Review status: criteria provided, multiple submitters, no conflicts (2 of 4 stars). 6 submissions from 6 submitters: Pathogenic (5). 1 of the submissions does not count toward it. Last evaluated 2025-06-10.

Conditions:
Lymphangiomyomatosis (LAM). Also called: Lymphangioleiomyomatosis; Lymphangioleiomyomatosis, somatic. Identifiers: Orphanet 538, MedGen C0751674, MONDO:0011705, OMIM 606690.
Isolated focal cortical dysplasia type II (FCORD2). Also called: CORTICAL DYSPLASIA OF TAYLOR; Focal cortical dysplasia type II. Identifiers: Orphanet 268994, MedGen C1846385, MONDO:0011818, OMIM 607341, HP:0032051.
Tuberous sclerosis 1 (TSC1). Identifiers: Orphanet 805, MedGen C1854465, MONDO:0008612, OMIM 191100.
Tuberous sclerosis syndrome (TSC). Also called: Tuberous Sclerosis Complex; Tuberous sclerosis. Identifiers: Orphanet 805, MedGen C0041341, MONDO:0001734.

Submissions (6):

Labcorp Genetics (formerly Invitae), Labcorp
Classification: Pathogenic for Tuberous sclerosis 1. Last evaluated: 2025-06-10. Review status: criteria provided, single submitter. Criteria: Invitae Variant Classification Sherloc (09022015). Collection method: clinical testing. Allele origin: germline.
Comment: This sequence change creates a premature translational stop signal (p.Gln797*) in the TSC1 gene. It is expected to result in an absent or disrupted protein product. Loss-of-function variants in TSC1 are known to be pathogenic (PMID: 10227394, 17304050). This variant is not present in population databases (gnomAD no frequency). This premature translational stop signal has been observed in individual(s) with tuberous sclerosis complex (PMID: 20399389, 22490766). ClinVar contains an entry for this variant (Variation ID: 64813). For these reasons, this variant has been classified as Pathogenic.

GeneDx
Classification: Pathogenic. Last evaluated: 2023-10-02. Review status: criteria provided, single submitter. Criteria: GeneDx Variant Classification Process June 2021. Collection method: clinical testing. Allele origin: germline. Affected: yes.
Comment: Nonsense variant predicted to result in protein truncation or nonsense mediated decay in a gene for which loss-of-function is a known mechanism of disease; Not observed at significant frequency in large population cohorts (gnomAD); This variant is associated with the following publications: (PMID: 25525159, 20399389, 24649456, 31440721, 22490766)

CeGaT Center for Human Genetics Tuebingen
Classification: Pathogenic. Last evaluated: 2023-08-01. Review status: criteria provided, single submitter. Criteria: CeGaT Center For Human Genetics Tuebingen Variant Classification Criteria Version 2. Collection method: clinical testing. Allele origin: germline. Affected: yes. Observed: 1 variant allele.
Comment: TSC1: PVS1, PM2, PS4:Moderate

Fulgent Genetics
Classification: Pathogenic for Tuberous sclerosis 1; Lymphangiomyomatosis; Isolated focal cortical dysplasia type II. Last evaluated: 2022-02-10. Review status: criteria provided, single submitter. Criteria: ACMG Guidelines, 2015. Collection method: clinical testing. Allele origin: unknown.

Genome-Nilou Lab
Classification: Pathogenic for Tuberous sclerosis 1. Last evaluated: 2021-11-07. Review status: criteria provided, single submitter. Criteria: ACMG Guidelines, 2015. Collection method: clinical testing. Allele origin: germline. Affected: no.

Tuberous sclerosis database (TSC1)
No classification provided. Condition: TSC. Review status: no classification provided. Criteria: Tuberous Sclerosis Database Assertion Criteria 2015. Collection method: curation. Allele origin: germline. Affected: yes. Not counted in ClinVar's aggregate classification.

Literature cited by the submitters: PubMed 10227394 (cited by Labcorp Genetics (formerly Invitae), Labcorp); PubMed 17304050 (cited by Labcorp Genetics (formerly Invitae), Labcorp); PubMed 20399389 (cited by Labcorp Genetics (formerly Invitae), Labcorp); PubMed 22490766 (cited by Labcorp Genetics (formerly Invitae), Labcorp).

NM_000368.5(TSC1):c.2389C>T (p.Gln797Ter)

Gene: TSC1 (TSC complex subunit 1; minus strand). Cytogenetic location: 9q34.13.
Variant type: single nucleotide variant.
Coding change: c.2389C>T on transcript NM_000368.5 (MANE Select); coding-DNA position 2389, C replaced by T.
Protein change: p.Gln797Ter; replaces glutamine 797 with a stop codon.
Molecular consequence: nonsense.
Genome position (GRCh38, 1-based): chr9:132,902,607, G>A on the plus strand (C>T on the coding strand, the complement: TSC1 is on the minus strand). VCF-style: chr9-132902607-G-A. GRCh37 (hg19) VCF-style: chr9-135777994-G-A.
Other names: c.2386C>T, p.Gln796Ter (NM_001162426.2); c.2236C>T, p.Gln746Ter (NM_001162427.2); c.2026C>T, p.Gln676Ter (NM_001362177.2); short protein forms Q797*, Q676*, Q746*, Q796*.
Identifiers: ClinVar variation 64813 (VCV000064813.38), dbSNP rs397514862, ClinGen allele CA006376.
Genomic context (GRCh38, chr9:132,902,607, plus strand): 5'-CTCCCCACTGCTCTCCGGCATTCTCGCAGTTGGCTTTGCCTGGTGCTGCAGTTTATACCT[G>A]TAATTCCTGGCTCTGGTTGTAGAATTCCTCTCGGTCATGCTGCAGCTGTCTGATCTGGCT-3'